The following is an entry in ClinVar:

NM_005045.4(RELN):c.9605+4G>C

Genes: RELN (reelin; minus strand), SLC26A5-AS1 (SLC26A5 antisense RNA 1; plus strand), LOC126860130 (BRD4-independent group 4 enhancer GRCh37_chr7:103130126-103131325; plus strand). Cytogenetic location: 7q22.1.
Variant type: single nucleotide variant.
Coding change: c.9605+4G>C on transcript NM_005045.4 (MANE Select); 4 bases into the intron after coding-DNA position 9605, G replaced by C.
Molecular consequence: intron variant.
Genome position (GRCh38, 1-based): chr7:103,490,664, C>G on the plus strand (G>C on the coding strand, the complement: RELN is on the minus strand). VCF-style: chr7-103490664-C-G. GRCh37 (hg19) VCF-style: chr7-103131111-C-G.
Other names: c.9605+4G>C (NM_173054.3).
Identifiers: ClinVar variation 1482457 (VCV001482457.6), dbSNP rs1338699707, ClinGen allele CA576953463.

ClinVar aggregate classification (germline): Uncertain significance (1 of 4 stars; one submission).

Conditions:
Norman-Roberts syndrome (LIS2). Also called: Lissencephaly 2 (Norman-Roberts type). Identifiers: Orphanet 89844, MedGen C0796089, MONDO:0009760, OMIM 257320.
Familial temporal lobe epilepsy 7. Identifiers: Orphanet 101046, MedGen C4225327, MONDO:0014639, OMIM 616436.

Allele frequency attached by ClinVar (database versions not stated): gnomAD exomes below 0.00001.
gnomAD v4.1: 1 of 1,614,132 alleles (0.000062%); highest among the groups gnomAD compares: Admixed American, 0.0017%; no homozygotes.

Submission:

Labcorp Genetics (formerly Invitae), Labcorp
Classification: Uncertain significance for Familial temporal lobe epilepsy 7; Norman-Roberts syndrome. Last evaluated: 2021-07-24. Review status: criteria provided, single submitter. Criteria: Invitae Variant Classification Sherloc (09022015). Collection method: clinical testing. Allele origin: germline.
Comment: This sequence change falls in intron 59 of the RELN gene. It does not directly change the encoded amino acid sequence of the RELN protein. It affects a nucleotide within the consensus splice site of the intron. This variant is not present in population databases (ExAC no frequency). This variant has not been reported in the literature in individuals affected with RELN-related conditions. Nucleotide substitutions within the consensus splice site are a relatively common cause of aberrant splicing (PMID: 17576681, 9536098). Algorithms developed to predict the effect of sequence changes on RNA splicing suggest that this variant is not likely to affect RNA splicing. In summary, the available evidence is currently insufficient to determine the role of this variant in disease. Therefore, it has been classified as a Variant of Uncertain Significance.

Literature cited by the submitters: PubMed 17576681; PubMed 9536098.